The following is an entry in ClinVar:

NM_000257.4(MYH7):c.4553C>A (p.Ser1518Tyr)

Genes: MHRT (myosin heavy chain associated RNA transcript; plus strand), MYH7 (myosin heavy chain 7; minus strand). Cytogenetic location: 14q11.2.
Variant type: single nucleotide variant.
Coding change: c.4553C>A on transcript NM_000257.4 (MANE Select); coding-DNA position 4553, C replaced by A.
Protein change: p.Ser1518Tyr; replaces serine 1518 with tyrosine.
Molecular consequence: missense variant. On other transcripts: non-coding transcript variant (1).
Genome position (GRCh38, 1-based): chr14:23,416,959, G>T on the plus strand (C>A on the coding strand, the complement: MYH7 is on the minus strand). VCF-style: chr14-23416959-G-T. GRCh37 (hg19) VCF-style: chr14-23886168-G-T.
Other names: short protein forms S1518Y.
Identifiers: ClinVar variation 951632 (VCV000951632.9), dbSNP rs757809347, ClinGen allele CA042867.
Genomic context (GRCh38, chr14:23,416,959, plus strand): 5'-ATCTTCTCGGCCTCCAGCTGCTTTCGGACCTTCTCCAGCTCATGGATAGTCTTTCCGCTG[G>T]AACCCAACTGCTCAGTCAAGTCGGAGATCTCCTCTGTGTGGGGAACACGGTAACTCGGTT-3'
Protein context (NP_000248.2, residues 1508-1528): EISDLTEQLG[Ser1518Tyr]SGKTIHELEK

ClinVar aggregate classification (germline): Uncertain significance (1 of 4 stars; one submission).

Conditions:
Hypertrophic cardiomyopathy. Also called: HYPERTROPHIC MYOCARDIOPATHY. Identifiers: Orphanet 217569, MedGen C0007194, MeSH D002312, MONDO:0005045, HP:0001639.

Allele frequency attached by ClinVar (database versions not stated): gnomAD exomes below 0.00001; ExAC 0.00001.

Submission:

Labcorp Genetics (formerly Invitae), Labcorp
Classification: Uncertain significance for Hypertrophic cardiomyopathy. Last evaluated: 2022-07-06. Review status: criteria provided, single submitter. Criteria: Invitae Variant Classification Sherloc (09022015). Collection method: clinical testing. Allele origin: germline.
Comment: This sequence change replaces serine, which is neutral and polar, with tyrosine, which is neutral and polar, at codon 1518 of the MYH7 protein (p.Ser1518Tyr). This variant is not present in population databases (gnomAD no frequency). This variant has not been reported in the literature in individuals affected with MYH7-related conditions. ClinVar contains an entry for this variant (Variation ID: 951632). Algorithms developed to predict the effect of missense changes on protein structure and function are either unavailable or do not agree on the potential impact of this missense change (SIFT: "Deleterious"; PolyPhen-2: "Possibly Damaging"; Align-GVGD: "Class C0"). In summary, the available evidence is currently insufficient to determine the role of this variant in disease. Therefore, it has been classified as a Variant of Uncertain Significance.